The following is an entry in ClinVar:

ClinVar aggregate classification (germline): Uncertain significance (1 of 4 stars; one submission).

gnomAD v4.1: 2 of 1,612,026 alleles (0.00012%); highest among the groups gnomAD compares: Non-Finnish European, 0.00017%; no homozygotes.

Submission:

Ambry Genetics
Classification: Uncertain significance. Last evaluated: 2023-07-24. Review status: criteria provided, single submitter. Criteria: Ambry Variant Classification Scheme 2023. Collection method: clinical testing. Allele origin: germline.
Comment: The p.G466V variant (also known as c.1397G>T), located in coding exon 9 of the POLQ gene, results from a G to T substitution at nucleotide position 1397. The glycine at codon 466 is replaced by valine, an amino acid with dissimilar properties. This amino acid position is conserved. In addition, the in silico prediction for this alteration is inconclusive. Since supporting evidence is limited at this time, the clinical significance of this alteration remains unclear.

NM_199420.4(POLQ):c.1397G>T (p.Gly466Val)

Gene: POLQ (DNA polymerase theta; minus strand). Cytogenetic location: 3q13.33.
Variant type: single nucleotide variant.
Coding change: c.1397G>T on transcript NM_199420.4 (MANE Select); coding-DNA position 1397, G replaced by T.
Protein change: p.Gly466Val; replaces glycine 466 with valine.
Molecular consequence: missense variant.
Genome position (GRCh38, 1-based): chr3:121,519,942, C>A on the plus strand (G>T on the coding strand, the complement: POLQ is on the minus strand). VCF-style: chr3-121519942-C-A. GRCh37 (hg19) VCF-style: chr3-121238789-C-A.
Other names: short protein forms G466V.
Identifiers: ClinVar variation 2625838 (VCV002625838.2), dbSNP rs777050587, ClinGen allele CA354119222.